The following is an entry in ClinVar:

NM_015076.5(CDK19):c.316-10del

Gene: CDK19 (cyclin dependent kinase 19; minus strand). Cytogenetic location: 6q21.
Variant type: Deletion.
Coding change: c.316-10del on transcript NM_015076.5 (MANE Select); 10 bases into the intron before coding-DNA position 316, one base deleted (T; older notation c.316-10delT).
Molecular consequence: intron variant.
Genome position (GRCh38, 1-based): chr6:110,667,584, A deleted on the plus strand (T on the coding strand, the reverse complement: CDK19 is on the minus strand); the first of 9 consecutive A bases (chr6:110,667,584-110,667,592); deleting any one gives the same sequence. VCF-style (leftmost placement, unchanged base first): chr6-110667583-TA-T. GRCh37 (hg19) VCF-style: chr6-110988786-TA-T.
Other names: c.136-10del (NM_001300964.2, NM_001300963.2); c.316-10del (NM_001300960.2).
Identifiers: ClinVar variation 4982222 (VCV004982222.1).
Genomic context (GRCh38, chr6:110,667,583, plus strand): 5'-ACTGCATGGGCTTTTTATTTGCTTTTGATGCACGGTGAAACTTAATAATATGCTAAAAAT[TA>T]AAAAAAAACATAATAATATAGTCTTTGCTAATATCTATGCCAATAAAACACAATCAATGC-3'

ClinVar aggregate classification (germline): Likely benign (1 of 4 stars; one submission).

Conditions:
CDK19-related disorder. Also called: CDK19-related condition.

Submission:

PreventionGenetics, part of Exact Sciences
Classification: Likely benign for CDK19-related condition. Last evaluated: 2026-08-04. Review status: criteria provided, single submitter. Criteria: ACMG Guidelines, 2015. Collection method: clinical testing. Allele origin: germline.
Comment: This variant is classified as likely benign based on ACMG/AMP sequence variant interpretation guidelines (Richards et al. 2015 PMID: 25741868, with internal and published modifications).